The following is an entry in ClinVar:

NC_000005.10:g.112851089T>G

Variant type: single nucleotide variant.
Genome position: GRCh38 VCF-style: chr5-112851089-T-G. GRCh37 (hg19) VCF-style: chr5-112186786-T-G.
Identifiers: ClinVar variation 82683 (VCV000082683.3), dbSNP rs78782405, ClinGen allele CA250823.

ClinVar aggregate classification (germline): other (0 of 4 stars; one submission).

Conditions:
Familial colorectal cancer. Identifiers: MedGen CN280943, MONDO:0023113. Disease mechanism: loss of function.

Submission:

Systems Biology Platform Zhejiang California International NanoSystems Institute
Classification: other for Familial colorectal cancer. Review status: no assertion criteria provided. Collection method: not provided. Allele origin: unknown.
ClinVar note: Converted during submission from cancer to other.